The following is an entry in ClinVar:

ClinVar aggregate classification (germline): Conflicting classifications of pathogenicity. Review status: criteria provided, conflicting classifications (1 of 4 stars). 4 submissions from 4 submitters: Uncertain significance (2); Benign (1); Likely benign (1). Last evaluated 2025-12-15.

Conditions:
Interphalangeal joint contracture of finger. Identifiers: MedGen C4021784, HP:0001220.
Increased number of skin folds. Identifiers: MedGen C4024853, HP:0007522.
Abnormal facial shape. Also called: Dysmorphic facies; Dysmorphic facial features. Identifiers: MedGen C0424503, HP:0001999.
Pleural effusion. Identifiers: MedGen C0032227, HP:0002202.
Emphysema. Also called: Pulmonary emphysema. Identifiers: MedGen C0034067, MONDO:0004849, HP:0002097.

Allele frequency attached by ClinVar (database versions not stated): 1000 Genomes Project 0.00060; gnomAD 0.00001 and 0.00004; TOPMed 0.00001; gnomAD exomes 0.00004 and 0.00009; ExAC 0.00008; 1000 Genomes Project 30x 0.00047.
gnomAD v4.1: 56 of 1,610,410 alleles (0.0035%); highest among the groups gnomAD compares: South Asian, 0.057%; 1 homozygote.

Submissions (4):

Labcorp Genetics (formerly Invitae), Labcorp
Classification: Benign. Last evaluated: 2025-12-15. Review status: criteria provided, single submitter. Criteria: Invitae Variant Classification Sherloc (09022015). Collection method: clinical testing. Allele origin: germline.

CeGaT Center for Human Genetics Tuebingen
Classification: Uncertain significance. Last evaluated: 2025-02-01. Review status: criteria provided, single submitter. Criteria: CeGaT Center For Human Genetics Tuebingen Variant Classification Criteria Version 2. Collection method: clinical testing. Allele origin: germline. Affected: yes. Observed: 1 variant allele.

Blueprint Genetics
Classification: Likely benign. Last evaluated: 2022-08-18. Review status: criteria provided, single submitter. Criteria: ACMG Guidelines, 2015. Collection method: clinical testing. Allele origin: germline.

Diagnostics Division, CENTRE FOR DNA FINGERPRINTING AND DIAGNOSTICS
Classification: Uncertain significance for Interphalangeal joint contracture of finger; Emphysema; Pleural effusion; Abnormal facial shape; Increased number of skin folds. Last evaluated: 2018-01-01. Review status: criteria provided, single submitter. Criteria: ACMG Guidelines, 2015. Collection method: research. Allele origin: germline. Affected: yes. Observed: 1 homozygote.
Comment: Missense variant

NM_002317.7(LOX):c.760G>A (p.Val254Ile)

Genes: SRFBP1 (serum response factor binding protein 1; plus strand), LOX (lysyl oxidase; minus strand). Cytogenetic location: 5q23.1.
Variant type: single nucleotide variant.
Coding change: c.760G>A on transcript NM_002317.7 (MANE Select); coding-DNA position 760, G replaced by A.
Protein change: p.Val254Ile; replaces valine 254 with isoleucine.
Molecular consequence: missense variant. On other transcripts: 5 prime UTR variant (1).
Genome position (GRCh38, 1-based): chr5:122,075,522, C>T on the plus strand (G>A on the coding strand, the complement: LOX is on the minus strand). VCF-style: chr5-122075522-C-T. GRCh37 (hg19) VCF-style: chr5-121411217-C-T.
Other names: c.70G>A, p.Val24Ile (NM_001178102.2); c.-132G>A (NM_001317073.1); short protein forms V254I, V24I.
Identifiers: ClinVar variation 599283 (VCV000599283.20), dbSNP rs575190694, ClinGen allele CA3383937.